The following is an entry in ClinVar:

ClinVar aggregate classification (germline): Uncertain significance. Review status: criteria provided, multiple submitters, no conflicts (2 of 4 stars). 2 submissions from 2 submitters: Uncertain significance (2). Last evaluated 2025-11-18.

Conditions:
Juvenile polyposis syndrome (JPS). Identifiers: Orphanet 2929, MedGen C0345893, MONDO:0017380, OMIM 174900.
Hereditary cancer-predisposing syndrome. Also called: Tumor predisposition; Neoplastic Syndromes, Hereditary; Hereditary Cancer Syndrome; Hereditary neoplastic syndrome. Identifiers: Orphanet 140162, MedGen C0027672, MeSH D009386, MONDO:0015356.

Submissions (2):

Labcorp Genetics (formerly Invitae), Labcorp
Classification: Uncertain significance for Juvenile polyposis syndrome. Last evaluated: 2025-11-18. Review status: criteria provided, single submitter. Criteria: Invitae Variant Classification Sherloc (09022015). Collection method: clinical testing. Allele origin: germline.
Comment: This sequence change replaces asparagine, which is neutral and polar, with aspartic acid, which is acidic and polar, at codon 507 of the BMPR1A protein (p.Asn507Asp). This variant is not present in population databases (gnomAD no frequency). This variant has not been reported in the literature in individuals affected with BMPR1A-related conditions. ClinVar contains an entry for this variant (Variation ID: 3992016). Invitae Evidence Modeling of protein sequence and biophysical properties (such as structural, functional, and spatial information, amino acid conservation, physicochemical variation, residue mobility, and thermodynamic stability) indicates that this missense variant is not expected to disrupt BMPR1A protein function with a negative predictive value of 80%. In summary, the available evidence is currently insufficient to determine the role of this variant in disease. Therefore, it has been classified as a Variant of Uncertain Significance.

Ambry Genetics
Classification: Uncertain significance for Hereditary cancer-predisposing syndrome. Last evaluated: 2025-03-22. Review status: criteria provided, single submitter. Criteria: Ambry Variant Classification Scheme 2023. Collection method: clinical testing. Allele origin: germline.
Comment: The p.N507D variant (also known as c.1519A>G), located in coding exon 11 of the BMPR1A gene, results from an A to G substitution at nucleotide position 1519. The asparagine at codon 507 is replaced by aspartic acid, an amino acid with highly similar properties. This amino acid position is highly conserved in available vertebrate species. In addition, the in silico prediction for this alteration is inconclusive. Based on the available evidence, the clinical significance of this variant remains unclear.

NM_004329.3(BMPR1A):c.1519A>G (p.Asn507Asp)

Gene: BMPR1A (bone morphogenetic protein receptor type 1A; plus strand). Cytogenetic location: 10q23.2.
Variant type: single nucleotide variant.
Coding change: c.1519A>G on transcript NM_004329.3 (MANE Select); coding-DNA position 1519, A replaced by G.
Protein change: p.Asn507Asp; replaces asparagine 507 with aspartic acid.
Molecular consequence: missense variant. On other transcripts: non-coding transcript variant (3).
Genome position (GRCh38, 1-based): chr10:86,923,639, A>G. VCF-style: chr10-86923639-A-G. GRCh37 (hg19) VCF-style: chr10-88683396-A-G.
Other names: c.1594A>G, p.Asn532Asp (NM_001406559.1); c.1567A>G, p.Asn523Asp (NM_001406560.1); c.1519A>G, p.Asn507Asp (NM_001406561.1, NM_001406562.1, NM_001406563.1 and 19 more transcripts); c.1435A>G, p.Asn479Asp (NM_001406588.1, NM_001406584.1, NM_001406585.1 and 2 more transcripts); c.1177A>G, p.Asn393Asp (NM_001406589.1); c.1513A>G, p.Asn505Asp (NM_001406583.1); short protein forms N532D, N393D, N479D, N523D, N505D, N507D.
Identifiers: ClinVar variation 3992016 (VCV003992016.2).